The following is an entry in ClinVar:

NM_001377540.1(SLMAP):c.933T>C (p.Val311=)

Gene: SLMAP (sarcolemma associated protein; plus strand). Cytogenetic location: 3p14.3.
Variant type: single nucleotide variant.
Coding change: c.933T>C on transcript NM_001377540.1 (MANE Select); coding-DNA position 933, T replaced by C.
Protein change: p.Val311=; no amino-acid change (valine 311 retained).
Molecular consequence: synonymous variant. On other transcripts: non-coding transcript variant (1).
Genome position (GRCh38, 1-based): chr3:57,862,053, T>C. VCF-style: chr3-57862053-T-C. GRCh37 (hg19) VCF-style: chr3-57847780-T-C.
Other names: c.933T>C, p.Val311= (NM_001304420.3, NM_001304421.2, NM_001377538.1 and 17 more transcripts).
Identifiers: ClinVar variation 4993861 (VCV004993861.1).
Genomic context (GRCh38, chr3:57,862,053, plus strand): 5'-AATGAATGAAAGGACTCAGGAAGAATTAAGAGAATTAGCCAACAAATATAATGGAGCAGT[T>C]AATGAGATTAAAGATTTATCTGATAAATTAAAGGTATGTATTTACTCTGCCTGAAAGTAT-3'
Protein context (NP_001364469.1, residues 301-321): RELANKYNGA[Val311=]NEIKDLSDKL

ClinVar aggregate classification (germline): Likely benign (1 of 4 stars; one submission).

Conditions:
SLMAP-related disorder. Also called: SLMAP-related condition.

Submission:

PreventionGenetics, part of Exact Sciences
Classification: Likely benign for SLMAP-related condition. Last evaluated: 2025-10-24. Review status: criteria provided, single submitter. Criteria: ACMG Guidelines, 2015. Collection method: clinical testing. Allele origin: germline.
Comment: This variant is classified as likely benign based on ACMG/AMP sequence variant interpretation guidelines (Richards et al. 2015 PMID: 25741868, with internal and published modifications).